The following is an entry in ClinVar:

NM_000081.4(LYST):c.1478A>G (p.His493Arg)

Gene: LYST (lysosomal trafficking regulator; minus strand). Cytogenetic location: 1q42.3.
Variant type: single nucleotide variant.
Coding change: c.1478A>G on transcript NM_000081.4 (MANE Select); coding-DNA position 1478, A replaced by G.
Protein change: p.His493Arg; replaces histidine 493 with arginine.
Molecular consequence: missense variant.
Genome position (GRCh38, 1-based): chr1:235,809,340, T>C on the plus strand (A>G on the coding strand, the complement: LYST is on the minus strand). VCF-style: chr1-235809340-T-C. GRCh37 (hg19) VCF-style: chr1-235972640-T-C.
Other names: c.1478A>G (NM_000081.2); c.1478A>G, p.His493Arg (NM_001301365.1); short protein forms H493R.
Identifiers: ClinVar variation 296431 (VCV000296431.9), dbSNP rs886046181, ClinGen allele CA10610542.

ClinVar aggregate classification (germline): Uncertain significance. Review status: criteria provided, multiple submitters, no conflicts (2 of 4 stars). 3 submissions from 3 submitters: Uncertain significance (3). Last evaluated 2024-08-28.

Conditions:
Inborn genetic diseases. Identifiers: MedGen C0950123, MeSH D030342.
Chédiak-Higashi syndrome (CHS). Also called: Chediak-Higashi Syndrome. Identifiers: Orphanet 167, MedGen C0007965, MONDO:0008963, OMIM 214500.

Allele frequency attached by ClinVar (database versions not stated): gnomAD exomes below 0.00001; TOPMed below 0.00001.
gnomAD v4.1: 5 of 1,614,112 alleles (0.00031%); highest among the groups gnomAD compares: Admixed American, 0.0017%; no homozygotes.

Submissions (3):

Labcorp Genetics (formerly Invitae), Labcorp
Classification: Uncertain significance for Chédiak-Higashi syndrome. Last evaluated: 2024-08-28. Review status: criteria provided, single submitter. Criteria: Invitae Variant Classification Sherloc (09022015). Collection method: clinical testing. Allele origin: germline.
Comment: This sequence change replaces histidine, which is basic and polar, with arginine, which is basic and polar, at codon 493 of the LYST protein (p.His493Arg). This variant is present in population databases (no rsID available, gnomAD 0.003%). This variant has not been reported in the literature in individuals affected with LYST-related conditions. ClinVar contains an entry for this variant (Variation ID: 296431). Invitae Evidence Modeling of protein sequence and biophysical properties (such as structural, functional, and spatial information, amino acid conservation, physicochemical variation, residue mobility, and thermodynamic stability) indicates that this missense variant is not expected to disrupt LYST protein function with a negative predictive value of 80%. In summary, the available evidence is currently insufficient to determine the role of this variant in disease. Therefore, it has been classified as a Variant of Uncertain Significance.

Ambry Genetics
Classification: Uncertain significance for Inborn genetic diseases. Last evaluated: 2022-10-04. Review status: criteria provided, single submitter. Criteria: Ambry Variant Classification Scheme 2023. Collection method: clinical testing. Allele origin: germline.

Illumina Laboratory Services, Illumina
Classification: Uncertain significance for Chédiak-Higashi syndrome. Last evaluated: 2018-01-13. Review status: criteria provided, single submitter. Criteria: ICSL Variant Classification Criteria 13 December 2019. Collection method: clinical testing. Allele origin: germline.